The following is an entry in ClinVar:

ClinVar aggregate classification (germline): Uncertain significance. Review status: criteria provided, multiple submitters, no conflicts (2 of 4 stars). 2 submissions from 2 submitters: Uncertain significance (2). Last evaluated 2025-11-04.

Conditions:
IMPG1-related disorder. Also called: IMPG1-related condition.

gnomAD v4.1: 3 of 1,613,842 alleles (0.00019%); highest among the groups gnomAD compares: African/African-American, 0.004%; no homozygotes.

Submissions (2):

PreventionGenetics, part of Exact Sciences
Classification: Uncertain significance for IMPG1-related condition. Last evaluated: 2025-11-04. Review status: criteria provided, single submitter. Criteria: ACMG Guidelines, 2015. Collection method: clinical testing. Allele origin: germline.
Comment: The IMPG1 c.2009T>C variant is predicted to result in the amino acid substitution p.Leu670Pro. To our knowledge, this variant has not been reported in the literature. This variant is reported in 0.0062% of alleles in individuals of African descent in gnomAD. At this time, the clinical significance of this variant is uncertain due to the absence of conclusive functional and genetic evidence.

Labcorp Genetics (formerly Invitae), Labcorp
Classification: Uncertain significance. Last evaluated: 2024-10-31. Review status: criteria provided, single submitter. Criteria: Invitae Variant Classification Sherloc (09022015). Collection method: clinical testing. Allele origin: germline.
Comment: This sequence change replaces leucine, which is neutral and non-polar, with proline, which is neutral and non-polar, at codon 670 of the IMPG1 protein (p.Leu670Pro). This variant is present in population databases (rs771309602, gnomAD 0.007%). This variant has not been reported in the literature in individuals affected with IMPG1-related conditions. An algorithm developed to predict the effect of missense changes on protein structure and function (PolyPhen-2) suggests that this variant is likely to be disruptive. In summary, the available evidence is currently insufficient to determine the role of this variant in disease. Therefore, it has been classified as a Variant of Uncertain Significance.

NM_001563.4(IMPG1):c.2009T>C (p.Leu670Pro)

Gene: IMPG1 (interphotoreceptor matrix proteoglycan 1; minus strand). Cytogenetic location: 6q14.1.
Variant type: single nucleotide variant.
Coding change: c.2009T>C on transcript NM_001563.4 (MANE Select); coding-DNA position 2009, T replaced by C.
Protein change: p.Leu670Pro; replaces leucine 670 with proline.
Molecular consequence: missense variant.
Genome position (GRCh38, 1-based): chr6:75,947,349, A>G on the plus strand (T>C on the coding strand, the complement: IMPG1 is on the minus strand). VCF-style: chr6-75947349-A-G. GRCh37 (hg19) VCF-style: chr6-76657066-A-G.
Other names: c.1775T>C, p.Leu592Pro (NM_001282368.2); c.2009T>C (NM_001563.3); short protein forms L670P, L592P.
Identifiers: ClinVar variation 3684655 (VCV003684655.3).